The following is an entry in ClinVar:

ClinVar aggregate classification (germline): Uncertain significance. Review status: criteria provided, multiple submitters, no conflicts (2 of 4 stars). 2 submissions from 2 submitters: Uncertain significance (2). Last evaluated 2022-08-06.

Conditions:
Inborn genetic diseases. Identifiers: MedGen C0950123, MeSH D030342.
Niemann-Pick disease, type C1. Also called: NEUROVISCERAL STORAGE DISEASE WITH VERTICAL SUPRANUCLEAR OPHTHALMOPLEGIA; NIEMANN-PICK DISEASE WITH CHOLESTEROL ESTERIFICATION BLOCK; NIEMANN-PICK DISEASE WITHOUT SPHINGOMYELINASE DEFICIENCY; NIEMANN-PICK DISEASE, CHRONIC NEURONOPATHIC FORM; NIEMANN-PICK DISEASE, VARIANT TYPE C1. Identifiers: Orphanet 646, MedGen C3179455, MONDO:0009757, OMIM 257220.

Allele frequency attached by ClinVar (database versions not stated): gnomAD exomes below 0.00001; ExAC 0.00002; ESP Exome Variant Server 0.00008.
gnomAD v4.1: 6 of 1,614,186 alleles (0.00037%); highest among the groups gnomAD compares: Admixed American, 0.0067%; no homozygotes.

Submissions (2):

Labcorp Genetics (formerly Invitae), Labcorp
Classification: Uncertain significance for Niemann-Pick disease, type C1. Last evaluated: 2022-08-06. Review status: criteria provided, single submitter. Criteria: Invitae Variant Classification Sherloc (09022015). Collection method: clinical testing. Allele origin: germline.
Comment: This sequence change replaces isoleucine, which is neutral and non-polar, with valine, which is neutral and non-polar, at codon 271 of the NPC1 protein (p.Ile271Val). This variant is present in population databases (rs370810779, gnomAD 0.01%). This variant has not been reported in the literature in individuals affected with NPC1-related conditions. Advanced modeling of protein sequence and biophysical properties (such as structural, functional, and spatial information, amino acid conservation, physicochemical variation, residue mobility, and thermodynamic stability) performed at Invitae indicates that this missense variant is not expected to disrupt NPC1 protein function. In summary, the available evidence is currently insufficient to determine the role of this variant in disease. Therefore, it has been classified as a Variant of Uncertain Significance.

Ambry Genetics
Classification: Uncertain significance for Inborn genetic diseases. Last evaluated: 2021-10-01. Review status: criteria provided, single submitter. Criteria: Ambry Variant Classification Scheme 2023. Collection method: clinical testing. Allele origin: germline.

NM_000271.5(NPC1):c.811A>G (p.Ile271Val)

Gene: NPC1 (NPC intracellular cholesterol transporter 1; minus strand). Cytogenetic location: 18q11.2.
Variant type: single nucleotide variant.
Coding change: c.811A>G on transcript NM_000271.5 (MANE Select); coding-DNA position 811, A replaced by G.
Protein change: p.Ile271Val; replaces isoleucine 271 with valine.
Molecular consequence: missense variant.
Genome position (GRCh38, 1-based): chr18:23,560,301, T>C on the plus strand (A>G on the coding strand, the complement: NPC1 is on the minus strand). VCF-style: chr18-23560301-T-C. GRCh37 (hg19) VCF-style: chr18-21140265-T-C.
Other names: c.811A>G (NM_000271.4); short protein forms I271V.
Identifiers: ClinVar variation 2177848 (VCV002177848.2), dbSNP rs370810779, ClinGen allele CA8913635.
Genomic context (GRCh38, chr18:23,560,301, plus strand): 5'-ACACTGCAAAAAATGCTCCAAAAAACACAAGCAAAAACGCCATGTAGGTGATCCACATGA[T>C]GACATACATGGCGTCCAAGCCAAGGATCGTCCAGGGAGCAGGAGGAGGTGGGGGCTGGGG-3'
Protein context (NP_000262.2, residues 261-281): TILGLDAMYV[Ile271Val]MWITYMAFLL